The following is an entry in ClinVar:

ClinVar aggregate classification (germline): Uncertain significance (1 of 4 stars; one submission).

Allele frequency attached by ClinVar (database versions not stated): gnomAD exomes below 0.00001 and 0.00001; TOPMed below 0.00001.
gnomAD v4.1: 12 of 1,613,422 alleles (0.00074%); highest among the groups gnomAD compares: Non-Finnish European, 0.001%; no homozygotes.

Submission:

Labcorp Genetics (formerly Invitae), Labcorp
Classification: Uncertain significance. Last evaluated: 2024-01-02. Review status: criteria provided, single submitter. Criteria: Invitae Variant Classification Sherloc (09022015). Collection method: clinical testing. Allele origin: germline.
Comment: This sequence change replaces isoleucine, which is neutral and non-polar, with valine, which is neutral and non-polar, at codon 291 of the CLCC1 protein (p.Ile291Val). This variant is present in population databases (no rsID available, gnomAD 0.0009%). This variant has not been reported in the literature in individuals affected with CLCC1-related conditions. ClinVar contains an entry for this variant (Variation ID: 969793). Algorithms developed to predict the effect of missense changes on protein structure and function output the following: SIFT: "Not Available"; PolyPhen-2: "Benign"; Align-GVGD: "Not Available". The valine amino acid residue is found in multiple mammalian species, which suggests that this missense change does not adversely affect protein function. In summary, the available evidence is currently insufficient to determine the role of this variant in disease. Therefore, it has been classified as a Variant of Uncertain Significance.

NM_001377458.1(CLCC1):c.871A>G (p.Ile291Val)

Gene: CLCC1 (chloride channel CLIC like 1; minus strand). Cytogenetic location: 1p13.3.
Variant type: single nucleotide variant.
Coding change: c.871A>G on transcript NM_001377458.1 (MANE Select); coding-DNA position 871, A replaced by G.
Protein change: p.Ile291Val; replaces isoleucine 291 with valine.
Molecular consequence: missense variant. On other transcripts: non-coding transcript variant (1), intron variant (1).
Genome position (GRCh38, 1-based): chr1:108,940,068, T>C on the plus strand (A>G on the coding strand, the complement: CLCC1 is on the minus strand). VCF-style: chr1-108940068-T-C. GRCh37 (hg19) VCF-style: chr1-109482690-T-C.
Other names: c.871A>G, p.Ile291Val (NM_001048210.3, NM_001377459.1, NM_001377460.1 and 8 more transcripts); c.508A>G, p.Ile170Val (NM_001278202.2); c.769A>G, p.Ile257Val (NM_001377469.1); c.580A>G, p.Ile194Val (NM_001377470.1); c.721A>G, p.Ile241Val (NM_015127.5); c.340-286A>G (NM_001278203.1); short protein forms I170V, I194V, I291V, I241V, I257V.
Identifiers: ClinVar variation 969793 (VCV000969793.8), dbSNP rs1438272944, ClinGen allele CA341460166.